The following is an entry in ClinVar:

ClinVar aggregate classification (germline): Uncertain significance (1 of 4 stars; one submission).

Allele frequency attached by ClinVar (database versions not stated): gnomAD exomes 0.00001 and below 0.00001; TOPMed 0.00001; ESP Exome Variant Server 0.00008; gnomAD 0.00001.
gnomAD v4.1: 2 of 1,613,928 alleles (0.00012%); highest among the groups gnomAD compares: African/African-American, 0.0027%; no homozygotes.

Submission:

Labcorp Genetics (formerly Invitae), Labcorp
Classification: Uncertain significance. Last evaluated: 2021-06-28. Review status: criteria provided, single submitter. Criteria: Invitae Variant Classification Sherloc (09022015). Collection method: clinical testing. Allele origin: germline.
Comment: Algorithms developed to predict the effect of missense changes on protein structure and function are either unavailable or do not agree on the potential impact of this missense change (SIFT: "Not Available"; PolyPhen-2: "Benign"; Align-GVGD: "Not Available"). In summary, the available evidence is currently insufficient to determine the role of this variant in disease. Therefore, it has been classified as a Variant of Uncertain Significance. This variant has not been reported in the literature in individuals affected with LCT-related conditions. This variant is not present in population databases (ExAC no frequency). This sequence change replaces cysteine with serine at codon 444 of the LCT protein (p.Cys444Ser). The cysteine residue is weakly conserved and there is a moderate physicochemical difference between cysteine and serine.

NM_002299.4(LCT):c.1330T>A (p.Cys444Ser)

Genes: LCT (lactase; minus strand), LOC126806353 (BRD4-independent group 4 enhancer GRCh37_chr2:136574960-136576159; plus strand). Cytogenetic location: 2q21.3.
Variant type: single nucleotide variant.
Coding change: c.1330T>A on transcript NM_002299.4 (MANE Select); coding-DNA position 1330, T replaced by A.
Protein change: p.Cys444Ser; replaces cysteine 444 with serine.
Molecular consequence: missense variant.
Genome position (GRCh38, 1-based): chr2:135,817,718, A>T on the plus strand (T>A on the coding strand, the complement: LCT is on the minus strand). VCF-style: chr2-135817718-A-T. GRCh37 (hg19) VCF-style: chr2-136575288-A-T.
Other names: short protein forms C444S.
Identifiers: ClinVar variation 1520479 (VCV001520479.8), dbSNP rs148438204, ClinGen allele CA56623587.